The following is an entry in ClinVar:

ClinVar aggregate classification (germline): Uncertain significance (1 of 4 stars; one submission).

Conditions:
Perlman syndrome (PRLMNS). Identifiers: Orphanet 2849, MedGen C0796113, MONDO:0009965, OMIM 267000.

Submission:

Labcorp Genetics (formerly Invitae), Labcorp
Classification: Uncertain significance for Perlman syndrome. Last evaluated: 2021-02-26. Review status: criteria provided, single submitter. Criteria: Invitae Variant Classification Sherloc (09022015). Collection method: clinical testing. Allele origin: germline.
Comment: In summary, the available evidence is currently insufficient to determine the role of this variant in disease. Therefore, it has been classified as a Variant of Uncertain Significance. Algorithms developed to predict the effect of sequence changes on RNA splicing suggest that this variant may create or strengthen a splice site, but this prediction has not been confirmed by published transcriptional studies. Algorithms developed to predict the effect of missense changes on protein structure and function are either unavailable or do not agree on the potential impact of this missense change (SIFT: "Tolerated"; PolyPhen-2: "Probably Damaging"; Align-GVGD: "Class C0"). This variant has not been reported in the literature in individuals with DIS3L2-related conditions. This variant is not present in population databases (ExAC no frequency). This sequence change replaces leucine with valine at codon 866 of the DIS3L2 protein (p.Leu866Val). The leucine residue is weakly conserved and there is a small physicochemical difference between leucine and valine.

NM_152383.5(DIS3L2):c.2596C>G (p.Leu866Val)

Gene: DIS3L2 (DIS3 like 3'-5' exoribonuclease 2; plus strand). Cytogenetic location: 2q37.1.
Variant type: single nucleotide variant.
Coding change: c.2596C>G on transcript NM_152383.5 (MANE Select); coding-DNA position 2596, C replaced by G.
Protein change: p.Leu866Val; replaces leucine 866 with valine.
Molecular consequence: missense variant. On other transcripts: non-coding transcript variant (2), intron variant (1).
Genome position (GRCh38, 1-based): chr2:232,336,568, C>G. VCF-style: chr2-232336568-C-G. GRCh37 (hg19) VCF-style: chr2-233201278-C-G.
Other names: c.1582-6777C>G (NM_001257281.2); short protein forms L866V.
Identifiers: ClinVar variation 1513598 (VCV001513598.8), dbSNP rs2106357382, ClinGen allele CA350979035.